The following is an entry in ClinVar:

ClinVar aggregate classification (germline): Likely benign. Review status: criteria provided, single submitter (1 of 4 stars). 2 submissions from 2 submitters: Likely benign (1). 1 of the submissions does not count toward it. Last evaluated 2024-04-16.

Conditions:
Succinyl-CoA acetoacetate transferase deficiency (SCOTD). Also called: Succinyl CoA:3-oxoacid CoA transferase deficiency; KETOACIDOSIS DUE TO SCOT DEFICIENCY; SCOT DEFICIENCY; SUCCINYL-CoA:3-KETOACID CoA-TRANSFERASE DEFICIENCY; 3-Oxoacid CoA Transferase Deficiency. Identifiers: Orphanet 832, MedGen C0342792, MONDO:0009492, OMIM 245050.
OXCT1-related disorder. Also called: OXCT1-related condition.

Allele frequency attached by ClinVar (database versions not stated): gnomAD exomes 0.00001; ExAC 0.00006; gnomAD 0.00009 and 0.00010; TOPMed 0.00011; ESP Exome Variant Server 0.00015; 1000 Genomes Project 0.00040; 1000 Genomes Project 30x 0.00047.
gnomAD v4.1: 40 of 1,613,874 alleles (0.0025%); highest among the groups gnomAD compares: African/African-American, 0.025%; no homozygotes.

Submissions (2):

Labcorp Genetics (formerly Invitae), Labcorp
Classification: Likely benign for Succinyl-CoA acetoacetate transferase deficiency. Last evaluated: 2024-04-16. Review status: criteria provided, single submitter. Criteria: Invitae Variant Classification Sherloc (09022015). Collection method: clinical testing. Allele origin: germline.

PreventionGenetics, part of Exact Sciences
Classification: Likely benign for OXCT1-related condition. Last evaluated: 2021-04-20. Review status: no assertion criteria provided. Collection method: clinical testing. Allele origin: germline. Not counted in ClinVar's aggregate classification.
Comment: This variant is classified as likely benign based on ACMG/AMP sequence variant interpretation guidelines (Richards et al. 2015 PMID: 25741868, with internal and published modifications).

NM_000436.4(OXCT1):c.300G>T (p.Gly100=)

Gene: OXCT1 (3-oxoacid CoA-transferase 1; minus strand). Cytogenetic location: 5p13.1.
Variant type: single nucleotide variant.
Coding change: c.300G>T on transcript NM_000436.4 (MANE Select); coding-DNA position 300, G replaced by T.
Protein change: p.Gly100=; no amino-acid change (glycine 100 retained).
Molecular consequence: synonymous variant. On other transcripts: non-coding transcript variant (1).
Genome position (GRCh38, 1-based): chr5:41,853,533, C>A on the plus strand (G>T on the coding strand, the complement: OXCT1 is on the minus strand). VCF-style: chr5-41853533-C-A. GRCh37 (hg19) VCF-style: chr5-41853635-C-A.
Other names: c.300G>T (NM_000436.3); c.300G>T, p.Gly100= (NM_001364299.2, NM_001364301.2, NM_001364302.2); c.321G>T, p.Gly107= (NM_001364300.2).
Identifiers: ClinVar variation 1158216 (VCV001158216.11), dbSNP rs140290234, ClinGen allele CA3253632.
Genomic context (GRCh38, chr5:41,853,533, plus strand): 5'-TGCATTTTCTCCCACATATGAAGAGACCATGCGTTTTATCTGCTTGGACCGAAGCAAAAG[C>A]CCCAAACCAAAATTGTCAACCCTAGAAGGAAAATGAAGGGAGCTTACCAAAGAGCATCTG-3'
Protein context (NP_000427.1, residues 90-110): NNAGVDNFGL[Gly100=]LLLRSKQIKR